The following is an entry in ClinVar:

NM_017436.7(A4GALT):c.670G>A (p.Glu224Lys)

Gene: A4GALT (alpha 1,4-galactosyltransferase (P1PK blood group); minus strand). Cytogenetic location: 22q13.2.
Variant type: single nucleotide variant.
Coding change: c.670G>A on transcript NM_017436.7 (MANE Select); coding-DNA position 670, G replaced by A.
Protein change: p.Glu224Lys; replaces glutamic acid 224 with lysine.
Molecular consequence: missense variant.
Genome position (GRCh38, 1-based): chr22:42,693,282, C>T on the plus strand (G>A on the coding strand, the complement: A4GALT is on the minus strand). VCF-style: chr22-42693282-C-T. GRCh37 (hg19) VCF-style: chr22-43089288-C-T.
Other names: c.670G>A, p.Glu224Lys (NM_001318038.3); short protein forms E224K.
Identifiers: ClinVar variation 2175522 (VCV002175522.4), dbSNP rs150748224, ClinGen allele CA10270243.

ClinVar aggregate classification (germline): Uncertain significance (1 of 4 stars; one submission).

gnomAD v4.1: 157 of 1,612,868 alleles (0.0097%); highest among the groups gnomAD compares: East Asian, 0.17%; 1 homozygote.

Submission:

Labcorp Genetics (formerly Invitae), Labcorp
Classification: Uncertain significance. Last evaluated: 2024-10-26. Review status: criteria provided, single submitter. Criteria: Invitae Variant Classification Sherloc (09022015). Collection method: clinical testing. Allele origin: germline.
Comment: This sequence change replaces glutamic acid, which is acidic and polar, with lysine, which is basic and polar, at codon 224 of the A4GALT protein (p.Glu224Lys). This variant is present in population databases (rs150748224, gnomAD 0.07%), and has an allele count higher than expected for a pathogenic variant. This variant has not been reported in the literature in individuals affected with A4GALT-related conditions. ClinVar contains an entry for this variant (Variation ID: 2175522). An algorithm developed to predict the effect of missense changes on protein structure and function outputs the following: PolyPhen-2: "Benign". The lysine amino acid residue is found in multiple mammalian species, which suggests that this missense change does not adversely affect protein function. In summary, the available evidence is currently insufficient to determine the role of this variant in disease. Therefore, it has been classified as a Variant of Uncertain Significance.